The following is an entry in ClinVar:

NM_000321.3(RB1):c.988G>T (p.Asp330Tyr)

Gene: RB1 (RB transcriptional corepressor 1; plus strand). Cytogenetic location: 13q14.2.
Variant type: single nucleotide variant.
Coding change: c.988G>T on transcript NM_000321.3 (MANE Select); coding-DNA position 988, G replaced by T.
Protein change: p.Asp330Tyr; replaces aspartic acid 330 with tyrosine.
Molecular consequence: missense variant.
Genome position (GRCh38, 1-based): chr13:48,367,542, G>T. VCF-style: chr13-48367542-G-T. GRCh37 (hg19) VCF-style: chr13-48941678-G-T.
Other names: c.988G>T, p.Asp330Tyr (NM_001407165.1, NM_001407166.1); short protein forms D330Y.
Identifiers: ClinVar variation 3231256 (VCV003231256.1), dbSNP rs763377384, ClinGen allele CA388160734.

ClinVar aggregate classification (germline): Uncertain significance (1 of 4 stars; one submission).

Conditions:
Hereditary cancer-predisposing syndrome. Also called: Neoplastic Syndromes, Hereditary; Tumor predisposition; Hereditary neoplastic syndrome; Hereditary Cancer Syndrome. Identifiers: Orphanet 140162, MedGen C0027672, MeSH D009386, MONDO:0015356.

gnomAD v4.1: 2 of 1,604,462 alleles (0.00012%); highest among the groups gnomAD compares: South Asian, 0.0022%; no homozygotes.

Submission:

Ambry Genetics
Classification: Uncertain significance for Hereditary cancer-predisposing syndrome. Last evaluated: 2024-02-27. Review status: criteria provided, single submitter. Criteria: Ambry Variant Classification Scheme 2023. Collection method: clinical testing. Allele origin: germline.
Comment: The p.D330Y variant (also known as c.988G>T), located in coding exon 10 of the RB1 gene, results from a G to T substitution at nucleotide position 988. The aspartic acid at codon 330 is replaced by tyrosine, an amino acid with highly dissimilar properties. This amino acid position is conserved. In addition, this alteration is predicted to be deleterious by in silico analysis. Based on the available evidence, the clinical significance of this alteration remains unclear.